The following is an entry in ClinVar:

NM_002742.3(PRKD1):c.1200A>G (p.Thr400=)

Gene: PRKD1 (protein kinase D1; minus strand). Cytogenetic location: 14q12.
Variant type: single nucleotide variant.
Coding change: c.1200A>G on transcript NM_002742.3 (MANE Select); coding-DNA position 1200, A replaced by G.
Protein change: p.Thr400=; no amino-acid change (threonine 400 retained).
Molecular consequence: synonymous variant.
Genome position (GRCh38, 1-based): chr14:29,634,532, T>C on the plus strand (A>G on the coding strand, the complement: PRKD1 is on the minus strand). VCF-style: chr14-29634532-T-C. GRCh37 (hg19) VCF-style: chr14-30103738-T-C.
Other names: c.1224A>G, p.Thr408= (NM_001330069.2); c.936A>G, p.Thr312= (NM_001348390.1).
Identifiers: ClinVar variation 3341645 (VCV003341645.16).

ClinVar aggregate classification (germline): Likely benign (1 of 4 stars; one submission).

gnomAD v4.1: 41 of 1,613,900 alleles (0.0025%); highest among the groups gnomAD compares: Non-Finnish European, 0.0034%; no homozygotes.

Submission:

CeGaT Center for Human Genetics Tuebingen
Classification: Likely benign. Last evaluated: 2024-08-01. Review status: criteria provided, single submitter. Criteria: CeGaT Center For Human Genetics Tuebingen Variant Classification Criteria Version 2. Collection method: clinical testing. Allele origin: germline. Affected: yes. Observed: 1 variant allele.
Comment: PRKD1: BP4, BP7